The following is an entry in ClinVar:

NM_020779.4(WDR35):c.1362del (p.Asn455fs)

Gene: WDR35 (WD repeat domain 35; minus strand). Cytogenetic location: 2p24.1.
Variant type: Deletion.
Coding change: c.1362del on transcript NM_020779.4 (MANE Select); coding-DNA position 1362, one base deleted (T; older notation c.1362delT).
Protein change: p.Asn455fs; shifts the reading frame from asparagine 455.
Molecular consequence: frameshift variant.
Genome position (GRCh38, 1-based): chr2:19,953,872, A deleted on the plus strand (T on the coding strand, the reverse complement: WDR35 is on the minus strand); the first of 2 consecutive A bases (chr2:19,953,872-19,953,873); deleting either gives the same sequence. VCF-style (leftmost placement, unchanged base first): chr2-19953871-TA-T. GRCh37 (hg19) VCF-style: chr2-20153632-TA-T.
Other names: c.1395del, p.Asn466fs (NM_001006657.2); short protein forms N466fs, N455fs.
Identifiers: ClinVar variation 1325357 (VCV001325357.6), dbSNP rs772534528, ClinGen allele CA1543257.
Genomic context (GRCh38, chr2:19,953,871, plus strand): 5'-AAAGTATGTATCAAAAGATATACCTTTCTCTCCCTTCTTTTCGAGACCGTGTGATCTGAT[TA>T]ATTTCCAATGCTGTGAGCTTCTTTGCCACACGATATTGCCAGGTATAAAATGCTTCTTTC-3'

ClinVar aggregate classification (germline): Likely pathogenic. Review status: criteria provided, multiple submitters, no conflicts (2 of 4 stars). 3 submissions from 3 submitters: Likely pathogenic (3). Last evaluated 2024-10-16.

Conditions:
Cranioectodermal dysplasia 2 (CED2). Identifiers: Orphanet 1515, MedGen C3150874, MONDO:0013323, OMIM 613610.
Short-rib thoracic dysplasia 7 with or without polydactyly (SRTD7). Also called: Short rib polydactyly syndrome 5; SHORT-RIB THORACIC DYSPLASIA 7 WITH POLYDACTYLY. Identifiers: Orphanet 498497, Orphanet 93271, MedGen C3279792, MONDO:0013569, OMIM 614091.

Submissions (3):

ARUP Laboratories, Molecular Genetics and Genomics, ARUP Laboratories
Classification: Likely pathogenic. Last evaluated: 2024-10-16. Review status: criteria provided, single submitter. Criteria: ARUP Molecular Germline Variant Investigation Process 2024. Collection method: clinical testing. Allele origin: germline.
Comment: The WDR35 c.1395del; p.Asn466Ilefs*45 variant (rs772534528, ClinVar Variation ID 1325357) is reported in one individual affected with cranioectodermal dysplasia (Hou 2020). This variant is only observed on four alleles in the Genome Aggregation Database (v2.1.1), indicating it is not a common polymorphism. This variant causes a frameshift by deleting a single nucleotide, so it is predicted to result in a truncated protein or mRNA subject to nonsense-mediated decay. Based on available information, this variant is considered to be likely pathogenic. References: Hou YC et al. Precision medicine integrating whole-genome sequencing, comprehensive metabolomics, and advanced imaging. Proc Natl Acad Sci U S A. 2020 Feb 11. PMID: 31980526.

Fulgent Genetics
Classification: Likely pathogenic for Cranioectodermal dysplasia 2; Short-rib thoracic dysplasia 7 with or without polydactyly. Last evaluated: 2024-03-28. Review status: criteria provided, single submitter. Criteria: ACMG Guidelines, 2015. Collection method: clinical testing. Allele origin: germline.

Revvity Omics, Revvity
Classification: Likely pathogenic. Last evaluated: 2020-07-23. Review status: criteria provided, single submitter. Criteria: ACMG Guidelines, 2015. Collection method: clinical testing. Allele origin: germline.